The following is an entry in ClinVar:

ClinVar aggregate classification (germline): Conflicting classifications of pathogenicity. Review status: criteria provided, conflicting classifications (1 of 4 stars). 5 submissions from 5 submitters: Uncertain significance (3); Likely benign (1). 1 of the submissions does not count toward it. Last evaluated 2026-01-17.

Conditions:
Developmental and epileptic encephalopathy, 43 (DEE43). Also called: Epileptic encephalopathy, early infantile, 43. Identifiers: MedGen C4310712, MONDO:0014921, OMIM 617113.
Epilepsy, childhood absence, susceptibility to, 5. Identifiers: Orphanet 64280, MedGen C2677087, MONDO:0012843, OMIM 612269.
Epilepsy, childhood absence, susceptibility to, 1. Also called: Epilepsy, childhood absence 1. Identifiers: Orphanet 64280, MedGen C1838604, MONDO:0020759, OMIM 600131.
Insomnia. Identifiers: MedGen C0917801, MONDO:0013600, HP:0100785.
SUDDEN INFANT DEATH SYNDROME (SIDS). Also called: Sudden Infant Death. Identifiers: MedGen C0038644, MeSH D013398, OMIM 272120.

Allele frequency attached by ClinVar (database versions not stated): 1000 Genomes Project 30x 0.00016; 1000 Genomes Project 0.00020; gnomAD exomes 0.00004 and 0.00002; gnomAD 0.00005 and 0.00004; TOPMed 0.00006; ExAC 0.00004.
gnomAD v4.1: 45 of 1,614,152 alleles (0.0028%); highest among the groups gnomAD compares: African/African-American, 0.017%; no homozygotes.

Submissions (5):

Labcorp Genetics (formerly Invitae), Labcorp
Classification: Likely benign for Epilepsy, childhood absence, susceptibility to, 5; Epilepsy, childhood absence, susceptibility to, 1. Last evaluated: 2026-01-17. Review status: criteria provided, single submitter. Criteria: Invitae Variant Classification Sherloc (09022015). Collection method: clinical testing. Allele origin: germline.

Genomic Medicine Center of Excellence, King Faisal Specialist Hospital and Research Centre
Classification: Uncertain significance for Developmental and epileptic encephalopathy, 43. Last evaluated: 2024-03-25. Review status: criteria provided, single submitter. Criteria: ACMG Guidelines, 2015. Collection method: research. Allele origin: germline.

Robert's Program, Boston Children's Hospital
Classification: Uncertain significance for SUDDEN INFANT DEATH SYNDROME. Last evaluated: 2021-10-01. Review status: criteria provided, single submitter. Criteria: ACMG Guidelines, 2015. Collection method: research. Allele origin: germline. Affected: yes.
Comment: We classify this variant as a variant of uncertain significance using ACMG/AMP criteria. As this variant has functional evidence supporting pathogenicty, we suspect this variant is favoring pathogenic.

Revvity Omics, Revvity
Classification: Uncertain significance for Developmental and epileptic encephalopathy, 43. Last evaluated: 2020-03-10. Review status: criteria provided, single submitter. Criteria: ACMG Guidelines, 2015. Collection method: clinical testing. Allele origin: germline.

OMIM
Classification: Uncertain significance for RECLASSIFIED - VARIANT OF UNKNOWN SIGNIFICANCE. Last evaluated: 2002-08-01. Review status: no assertion criteria provided. Collection method: literature only. Allele origin: germline. Not counted in ClinVar's aggregate classification.

Literature cited by the submitters: PubMed 12189488 (cited by OMIM); PubMed 11742254 (cited by OMIM).

NM_000814.6(GABRB3):c.650G>A (p.Arg217His)

Gene: GABRB3 (gamma-aminobutyric acid type A receptor subunit beta3; minus strand). Cytogenetic location: 15q12.
Variant type: single nucleotide variant.
Coding change: c.650G>A on transcript NM_000814.6 (MANE Select); coding-DNA position 650, G replaced by A.
Protein change: p.Arg217His; replaces arginine 217 with histidine.
Molecular consequence: missense variant.
Genome position (GRCh38, 1-based): chr15:26,580,351, C>T on the plus strand (G>A on the coding strand, the complement: GABRB3 is on the minus strand). VCF-style: chr15-26580351-C-T. GRCh37 (hg19) VCF-style: chr15-26825498-C-T.
Other names: R192H; c.395G>A, p.Arg132His (NM_001191320.2, NM_001278631.2); c.437G>A, p.Arg146His (NM_001191321.3); c.650G>A, p.Arg217His (NM_021912.5); c.395G>A (NM_001191320.1); short protein forms R132H, R146H, R217H.
Identifiers: ClinVar variation 16190 (VCV000016190.16), dbSNP rs121913125, ClinGen allele CA126256.